The following is an entry in ClinVar:

ClinVar aggregate classification (germline): Uncertain significance (1 of 4 stars; one submission).

gnomAD v4.1: 1 of 1,611,986 alleles (0.000062%); highest among the groups gnomAD compares: East Asian, 0.0022%; no homozygotes.

Submission:

Labcorp Genetics (formerly Invitae), Labcorp
Classification: Uncertain significance. Last evaluated: 2025-03-04. Review status: criteria provided, single submitter. Criteria: Invitae Variant Classification Sherloc (09022015). Collection method: clinical testing. Allele origin: germline.
Comment: This sequence change replaces aspartic acid, which is acidic and polar, with glutamic acid, which is acidic and polar, at codon 93 of the KLHL7 protein (p.Asp93Glu). This variant is present in population databases (no rsID available, gnomAD 0.006%). This variant has not been reported in the literature in individuals affected with KLHL7-related conditions. An algorithm developed to predict the effect of missense changes on protein structure and function (PolyPhen-2) suggests that this variant is likely to be tolerated. In summary, the available evidence is currently insufficient to determine the role of this variant in disease. Therefore, it has been classified as a Variant of Uncertain Significance.

NM_001031710.3(KLHL7):c.279T>G (p.Asp93Glu)

Gene: KLHL7 (kelch like family member 7; plus strand). Cytogenetic location: 7p15.3.
Variant type: single nucleotide variant.
Coding change: c.279T>G on transcript NM_001031710.3 (MANE Select); coding-DNA position 279, T replaced by G.
Protein change: p.Asp93Glu; replaces aspartic acid 93 with glutamic acid.
Molecular consequence: missense variant. On other transcripts: non-coding transcript variant (2).
Genome position (GRCh38, 1-based): chr7:23,124,743, T>G. VCF-style: chr7-23124743-T-G. GRCh37 (hg19) VCF-style: chr7-23164362-T-G.
Other names: c.279T>G, p.Asp93Glu (NM_001172428.2); c.135T>G, p.Asp45Glu (NM_018846.5); short protein forms D45E, D93E.
Identifiers: ClinVar variation 3623231 (VCV003623231.2).